The following is an entry in ClinVar:

NM_005883.3(APC2):c.6184_6193del (p.Pro2062fs)

Gene: APC2 (APC regulator of WNT signaling pathway 2; plus strand). Cytogenetic location: 19p13.3.
Variant type: Deletion.
Coding change: c.6184_6193del on transcript NM_005883.3 (MANE Select); coding-DNA positions 6184 to 6193, 10 bases deleted (CCCGCGGCCC; older notation c.6184_6193delCCCGCGGCCC).
Protein change: p.Pro2062fs; shifts the reading frame from proline 2062.
Molecular consequence: frameshift variant.
Genome position (GRCh38, 1-based): chr19:1,469,485-1,469,494, CCCGCGGCCC deleted; deleting any 10 consecutive bases within chr19:1,469,478-1,469,494 gives the same sequence; the c. name uses the placement nearest the transcript's 3' end. VCF-style (leftmost placement, unchanged base first): chr19-1469477-AGCGGCCCCCC-A. GRCh37 (hg19) VCF-style: chr19-1469476-AGCGGCCCCCC-A.
Other names: c.6181_6190del, p.Pro2061fs (NM_001351273.1); short protein forms P2061fs, P2062fs.
Identifiers: ClinVar variation 3377277 (VCV003377277.1).

ClinVar aggregate classification (germline): Likely pathogenic (1 of 4 stars; one submission).

Conditions:
Intellectual developmental disorder, autosomal recessive 74 (MRT74). Also called: Sotos syndrome 3. Identifiers: MedGen C4310684, MONDO:0014951, OMIM 617169.

Submission:

Victorian Clinical Genetics Services, Murdoch Childrens Research Institute
Classification: Likely pathogenic for Intellectual developmental disorder, autosomal recessive 74. Last evaluated: 2024-10-11. Review status: criteria provided, single submitter. Criteria: ACMG Guidelines, 2015. Collection method: clinical testing. Allele origin: germline. Inheritance: Autosomal recessive inheritance. Affected: yes.
Comment: Based on the classification scheme VCGS_Germline_v1.3.5, this variant is classified as Likely Pathogenic. Following criteria are met: 0102 - Loss of function is a known mechanism of disease in this gene and is associated with Intellectual developmental disorder, autosomal recessive 74 (MIM#617169). (I) 0106 - This gene is associated with autosomal recessive disease. (I) 0115 - Variants in this gene are known to have variable expressivity. Intra-familial variability has been reported (PMID: 31585108). (I) 0208 - Variant is predicted to result in an elongated protein that increases protein length by an additional 27 amino acids. (SP) 0251 - This variant is heterozygous. (I) 0304 - Variant is present in gnomAD (v4) <0.01 for a recessive condition (2 heterozygotes, 0 homozygotes). (SP) 0600 - Variant is predicted to affect part of the APC basic domain (DECIPHER). (I) 0705 - No comparable truncation variants have previous evidence for pathogenicity. (I) 0807 - This variant has no previous evidence of pathogenicity. (I) 0905 - No published segregation evidence has been identified for this variant. (I) 1007 - No published functional evidence has been identified for this variant. (SP) Legend: (SP) - Supporting pathogenic, (I) - Information, (SB) - Supporting benign

Literature cited by the submitters: PubMed 31585108.